The following is an entry in ClinVar:

ClinVar aggregate classification (germline): Uncertain significance (1 of 4 stars; one submission).

Conditions:
Intellectual disability, autosomal recessive 53 (NEDHSCA). Also called: NEURODEVELOPMENTAL DISORDER WITH OR WITHOUT HYPOTONIA, SEIZURES, AND CEREBELLAR ATROPHY; GLYCOSYLPHOSPHATIDYLINOSITOL BIOSYNTHESIS DEFECT 13; Mental retardation, autosomal recessive 53. Identifiers: Orphanet 488635, MedGen C4310794, MONDO:0014832, OMIM 616917.

Submission:

Labcorp Genetics (formerly Invitae), Labcorp
Classification: Uncertain significance for Intellectual disability, autosomal recessive 53. Last evaluated: 2024-05-29. Review status: criteria provided, single submitter. Criteria: Invitae Variant Classification Sherloc (09022015). Collection method: clinical testing. Allele origin: germline.
Comment: This variant, c.2078_2098dup, results in the insertion of 7 amino acid(s) of the PIGG protein (p.His693_Val699dup), but otherwise preserves the integrity of the reading frame. This variant is not present in population databases (gnomAD no frequency). This variant has not been reported in the literature in individuals affected with PIGG-related conditions. In summary, the available evidence is currently insufficient to determine the role of this variant in disease. Therefore, it has been classified as a Variant of Uncertain Significance.

NM_001127178.3(PIGG):c.2078_2098dup (p.Val699_Leu700insHisLysAlaGluLeuSerVal)

Gene: PIGG (phosphatidylinositol glycan anchor biosynthesis class G (EMM blood group); plus strand). Cytogenetic location: 4p16.3.
Variant type: Duplication.
Coding change: c.2078_2098dup on transcript NM_001127178.3 (MANE Select); coding-DNA positions 2078 to 2098, 21 bases duplicated (ACAAAGCCGAGCTCTCTGTCC).
Protein change: p.Val699_Leu700insHisLysAlaGluLeuSerVal.
Molecular consequence: inframe insertion. On other transcripts: non-coding transcript variant (10).
Genome position (GRCh38, 1-based): chr4:527,047-527,067, ACAAAGCCGAGCTCTCTGTCC duplicated; duplicating any 21 consecutive bases within chr4:527,045-527,067 gives the same sequence; the c. name uses the placement nearest the transcript's 3' end. VCF-style (leftmost placement, unchanged base first): chr4-527044-A-ACCACAAAGCCGAGCTCTCTGT. GRCh37 (hg19) VCF-style: chr4-520833-A-ACCACAAAGCCGAGCTCTCTGT.
Other names: c.1811_1831dup, p.Val610_Leu611insHisLysAlaGluLeuSerVal (NM_001289051.2, NM_001345986.2); c.1679_1699dup, p.Val566_Leu567insHisLysAlaGluLeuSerVal (NM_001289052.2); c.1787_1807dup, p.Val602_Leu603insHisLysAlaGluLeuSerVal (NM_001345987.2); c.1049_1069dup, p.Val356_Leu357insHisLysAlaGluLeuSerVal (NM_001345988.2); c.545_565dup, p.Val188_Leu189insHisLysAlaGluLeuSerVal (NM_001345990.2, NM_001345991.2); c.980_1000dup, p.Val333_Leu334insHisLysAlaGluLeuSerVal (NM_001345994.2); c.2054_2074dup, p.Val691_Leu692insHisLysAlaGluLeuSerVal (NM_017733.5).
Identifiers: ClinVar variation 3605560 (VCV003605560.2).